The following is an entry in ClinVar:

ClinVar aggregate classification (germline): Pathogenic (1 of 4 stars; one submission).

Submission:

GeneDx
Classification: Pathogenic. Last evaluated: 2026-02-12. Review status: criteria provided, single submitter. Criteria: GeneDx Variant Classification Process June 2021. Collection method: clinical testing. Allele origin: germline.
Comment: Canonical splice site variant predicted to result in a null allele in a gene for which loss of function is a known mechanism of disease; Not observed at significant frequency in large population cohorts (gnomAD); Has not been previously published as pathogenic or benign to our knowledge

NM_001349338.3(FOXP1):c.1652+1G>A

Gene: FOXP1 (forkhead box P1; minus strand). Cytogenetic location: 3p13.
Variant type: single nucleotide variant.
Coding change: c.1652+1G>A on transcript NM_001349338.3 (MANE Select); the canonical splice donor site of the intron after coding-DNA position 1652, G replaced by A.
Molecular consequence: splice donor variant. On other transcripts: intron variant (1).
Genome position (GRCh38, 1-based): chr3:70,972,554, C>T on the plus strand (G>A on the coding strand, the complement: FOXP1 is on the minus strand). VCF-style: chr3-70972554-C-T. GRCh37 (hg19) VCF-style: chr3-71021705-C-T.
Other names: c.1531-374G>A (NM_001244810.2); c.1652+1G>A (NM_032682.6, NM_001349340.3, NM_001244816.2 and 1 more transcripts); c.1649+1G>A (NM_001349341.3, NM_001244808.3); c.1424+1G>A (NM_001244812.3); c.1349+1G>A (NM_001349343.3, NM_001349337.2, NM_001370548.1 and 1 more transcripts); c.1352+1G>A (NM_001349342.3, NM_001244815.2, NM_001244813.3).
Identifiers: ClinVar variation 4975081 (VCV004975081.1).
Genomic context (GRCh38, chr3:70,972,554, plus strand): 5'-TACGTTATACTTGTTAGCACAATCCAAGCTAGGCTAAGAAGTTCAAACATGGTGGACGTA[C>T]CCACTGATCTTTTGTGGCCTTCGTTTTTGGAATTCTACTTCATCCACTGTCCATACTGCC-3'